The following is an entry in ClinVar:

NM_001349253.2(SCN11A):c.4912A>G (p.Thr1638Ala)

Gene: SCN11A (sodium voltage-gated channel alpha subunit 11; minus strand). Cytogenetic location: 3p22.2.
Variant type: single nucleotide variant.
Coding change: c.4912A>G on transcript NM_001349253.2 (MANE Select); coding-DNA position 4912, A replaced by G.
Protein change: p.Thr1638Ala; replaces threonine 1638 with alanine.
Molecular consequence: missense variant.
Genome position (GRCh38, 1-based): chr3:38,847,158, T>C on the plus strand (A>G on the coding strand, the complement: SCN11A is on the minus strand). VCF-style: chr3-38847158-T-C. GRCh37 (hg19) VCF-style: chr3-38888649-T-C.
Other names: c.4912A>G, p.Thr1638Ala (NM_014139.3); short protein forms T1638A.
Identifiers: ClinVar variation 1026178 (VCV001026178.5), dbSNP rs1160994855, ClinGen allele CA352162095.

ClinVar aggregate classification (germline): Uncertain significance (1 of 4 stars; one submission).

Conditions:
Hereditary sensory and autonomic neuropathy type 7. Also called: HSAN VII; Neuropathy, hereditary sensory and autonomic, type VII. Identifiers: Orphanet 391397, MedGen C3809882, MONDO:0014244, OMIM 615548.
Familial episodic pain syndrome with predominantly lower limb involvement. Also called: Episodic pain syndrome, familial, 3. Identifiers: Orphanet 391384, Orphanet 391392, MedGen C3809899, MONDO:0014247, OMIM 615552.

Allele frequency attached by ClinVar (database versions not stated): gnomAD exomes below 0.00001.
gnomAD v4.1: 11 of 1,614,228 alleles (0.00068%); highest among the groups gnomAD compares: Non-Finnish European, 0.00093%; no homozygotes.

Submission:

Labcorp Genetics (formerly Invitae), Labcorp
Classification: Uncertain significance for Familial episodic pain syndrome with predominantly lower limb involvement; Hereditary sensory and autonomic neuropathy type 7. Last evaluated: 2020-07-02. Review status: criteria provided, single submitter. Criteria: Invitae Variant Classification Sherloc (09022015). Collection method: clinical testing. Allele origin: germline.
Comment: In summary, the available evidence is currently insufficient to determine the role of this variant in disease. Therefore, it has been classified as a Variant of Uncertain Significance. Algorithms developed to predict the effect of missense changes on protein structure and function are either unavailable or do not agree on the potential impact of this missense change (SIFT: "Deleterious"; PolyPhen-2: "Benign"; Align-GVGD: "Class C0"). This variant has not been reported in the literature in individuals with SCN11A-related conditions. This variant is not present in population databases (ExAC no frequency). This sequence change replaces threonine with alanine at codon 1638 of the SCN11A protein (p.Thr1638Ala). The threonine residue is highly conserved and there is a small physicochemical difference between threonine and alanine.